The following is an entry in ClinVar:

NM_005862.3(STAG1):c.902G>A (p.Arg301His)

Gene: STAG1 (STAG1 cohesin complex component; minus strand). Cytogenetic location: 3q22.3.
Variant type: single nucleotide variant.
Coding change: c.902G>A on transcript NM_005862.3 (MANE Select); coding-DNA position 902, G replaced by A.
Protein change: p.Arg301His; replaces arginine 301 with histidine.
Molecular consequence: missense variant.
Genome position (GRCh38, 1-based): chr3:136,500,223, C>T on the plus strand (G>A on the coding strand, the complement: STAG1 is on the minus strand). VCF-style: chr3-136500223-C-T. GRCh37 (hg19) VCF-style: chr3-136219065-C-T.
Other names: short protein forms R301H.
Identifiers: ClinVar variation 4176068 (VCV004176068.1).

ClinVar aggregate classification (germline): Likely pathogenic (1 of 4 stars; one submission).

Conditions:
Inborn genetic diseases. Identifiers: MedGen C0950123, MeSH D030342.

Submission:

Ambry Genetics
Classification: Likely pathogenic for Inborn genetic diseases. Last evaluated: 2025-07-30. Review status: criteria provided, single submitter. Criteria: Ambry Variant Classification Scheme 2023. Collection method: clinical testing. Allele origin: germline.
Comment: The c.902G>A (p.R301H) alteration is located in exon 9 (coding exon 8) of the STAG1 gene. This alteration results from a G to A substitution at nucleotide position 902, causing the arginine (R) at amino acid position 301 to be replaced by a histidine (H). However, this change occurs in the last base pair of coding exon8, which makes it likely to have some effect on normal mRNA splicing. This variant was not reported in population-based cohorts in the Genome Aggregation Database (gnomAD). This nucleotide and amino acid position is highly conserved in available vertebrate species. In silico splice site analysis predicts that this alteration will weaken the native splice donor site. Based on the available evidence, this alteration is classified as likely pathogenic.